The following is an entry in ClinVar:

ClinVar aggregate classification (germline): Uncertain significance. Review status: criteria provided, multiple submitters, no conflicts (2 of 4 stars). 2 submissions from 2 submitters: Uncertain significance (2). Last evaluated 2025-10-30.

Allele frequency attached by ClinVar (database versions not stated): gnomAD exomes 0.00003; ExAC 0.00009; gnomAD 0.00008; TOPMed 0.00015.
gnomAD v4.1: 57 of 1,612,804 alleles (0.0035%); highest among the groups gnomAD compares: Admixed American, 0.032%; no homozygotes.

Submissions (2):

Ambry Genetics
Classification: Uncertain significance. Last evaluated: 2025-10-30. Review status: criteria provided, single submitter. Criteria: Ambry Variant Classification Scheme 2023. Collection method: clinical testing. Allele origin: germline.

Labcorp Genetics (formerly Invitae), Labcorp
Classification: Uncertain significance. Last evaluated: 2025-06-12. Review status: criteria provided, single submitter. Criteria: Invitae Variant Classification Sherloc (09022015). Collection method: clinical testing. Allele origin: germline.
Comment: This sequence change replaces aspartic acid, which is acidic and polar, with asparagine, which is neutral and polar, at codon 1765 of the FBN3 protein (p.Asp1765Asn). This variant is present in population databases (rs759106137, gnomAD 0.04%). This variant has not been reported in the literature in individuals affected with FBN3-related conditions. ClinVar contains an entry for this variant (Variation ID: 2588493). Invitae Evidence Modeling of protein sequence and biophysical properties (such as structural, functional, and spatial information, amino acid conservation, physicochemical variation, residue mobility, and thermodynamic stability) indicates that this missense variant is not expected to disrupt FBN3 protein function with a negative predictive value of 80%. In summary, the available evidence is currently insufficient to determine the role of this variant in disease. Therefore, it has been classified as a Variant of Uncertain Significance.

NM_032447.5(FBN3):c.5293G>A (p.Asp1765Asn)

Gene: FBN3 (fibrillin 3; minus strand). Cytogenetic location: 19p13.2.
Variant type: single nucleotide variant.
Coding change: c.5293G>A on transcript NM_032447.5 (MANE Select); coding-DNA position 5293, G replaced by A.
Protein change: p.Asp1765Asn; replaces aspartic acid 1765 with asparagine.
Molecular consequence: missense variant.
Genome position (GRCh38, 1-based): chr19:8,097,001, C>T on the plus strand (G>A on the coding strand, the complement: FBN3 is on the minus strand). VCF-style: chr19-8097001-C-T. GRCh37 (hg19) VCF-style: chr19-8161885-C-T.
Other names: c.5293G>A, p.Asp1765Asn (NM_001321431.2); short protein forms D1765N.
Identifiers: ClinVar variation 2588493 (VCV002588493.6), dbSNP rs759106137, ClinGen allele CA9151705.